The following is an entry in ClinVar:

ClinVar aggregate classification (germline): Uncertain significance (1 of 4 stars; one submission).

gnomAD v4.1: 3 of 1,614,232 alleles (0.00019%); highest among the groups gnomAD compares: Non-Finnish European, 0.00025%; no homozygotes.

Submission:

Dasa
Classification: Uncertain significance. Last evaluated: 2025-09-22. Review status: criteria provided, single submitter. Criteria: DASA Assertion Criteria. Collection method: clinical testing. Allele origin: germline.
Comment: NM_002971.6(SATB1):c.1774A>G (p.Ile592Val) is a missense variant that results in the substitution of isoleucine with valine. This variant is rare in population databases. Computational prediction algorithms are consistent with a benign effect. The currently available literature and clinical evidence are not sufficient to establish a definitive association between this variant and the reported condition. Therefore, this variant is classified as a variant of uncertain significance.

NM_002971.6(SATB1):c.1774A>G (p.Ile592Val)

Gene: SATB1 (SATB homeobox 1; minus strand). Cytogenetic location: 3p24.3.
Variant type: single nucleotide variant.
Coding change: c.1774A>G on transcript NM_002971.6 (MANE Select); coding-DNA position 1774, A replaced by G.
Protein change: p.Ile592Val; replaces isoleucine 592 with valine.
Molecular consequence: missense variant.
Genome position (GRCh38, 1-based): chr3:18,351,997, T>C on the plus strand (A>G on the coding strand, the complement: SATB1 is on the minus strand). VCF-style: chr3-18351997-T-C. GRCh37 (hg19) VCF-style: chr3-18393489-T-C.
Other names: c.1774A>G, p.Ile592Val (NM_001131010.4, NM_001195470.3, NM_001322871.2 and 4 more transcripts); c.1558A>G, p.Ile520Val (NM_001322876.2); short protein forms I520V, I592V.
Identifiers: ClinVar variation 4882231 (VCV004882231.2).
Genomic context (GRCh38, chr3:18,351,997, plus strand): 5'-AAGTTTAAAGCTTTATTTACTTATTGCTATACTGAATTGGCCAAAGTAAACGAACCTGAA[T>C]CTGCTCTGCTGGAACATGGATAATGTGGGGCGGCCTGTCGCCATGGTGATGCACCGCGTT-3'
Protein context (NP_002962.1, residues 582-602): PHIIHVPAEQ[Ile592Val]QQQQQQQQQQ